The following is an entry in ClinVar:

NM_000492.4(CFTR):c.2546A>G (p.Tyr849Cys)

Gene: CFTR (CF transmembrane conductance regulator; plus strand). Cytogenetic location: 7q31.2.
Variant type: single nucleotide variant.
Coding change: c.2546A>G on transcript NM_000492.4 (MANE Select); coding-DNA position 2546, A replaced by G.
Protein change: p.Tyr849Cys; replaces tyrosine 849 with cysteine.
Molecular consequence: missense variant.
Genome position (GRCh38, 1-based): chr7:117,594,985, A>G. VCF-style: chr7-117594985-A-G. GRCh37 (hg19) VCF-style: chr7-117235039-A-G.
Other names: short protein forms Y849C.
Identifiers: ClinVar variation 1009463 (VCV001009463.5), dbSNP rs780811333, ClinGen allele CA4451221.
Genomic context (GRCh38, chr7:117,594,985, plus strand): 5'-TTCAGGAGTGCTTTTTTGATGATATGGAGAGCATACCAGCAGTGACTACATGGAACACAT[A>G]CCTTCGATATATTACTGTCCACAAGAGCTTAATTTTTGTGCTAATTTGGTGCTTAGTAAT-3'
Protein context (NP_000483.3, residues 839-859): SIPAVTTWNT[Tyr849Cys]LRYITVHKSL

ClinVar aggregate classification (germline): Uncertain significance. Review status: criteria provided, single submitter (1 of 4 stars). 2 submissions from 2 submitters: Uncertain significance (1). 1 of the submissions does not count toward it. Last evaluated 2024-10-16.

Conditions:
CFTR-related disorder (CFTR-RD). Also called: CFTR-related disorders; CFTR-related condition. Identifiers: MedGen C5924204, MONDO:7770004.
Cystic fibrosis (CF). Also called: MUCOVISCIDOSIS. Identifiers: Orphanet 586, MedGen C0010674, MONDO:0009061, OMIM 219700. Disease mechanism: loss of function.

Allele frequency attached by ClinVar (database versions not stated): ExAC 0.00001; gnomAD exomes below 0.00001.
gnomAD v4.1: 1 of 1,612,932 alleles (0.000062%); highest among the groups gnomAD compares: Admixed American, 0.0017%; no homozygotes.

Submissions (2):

Labcorp Genetics (formerly Invitae), Labcorp
Classification: Uncertain significance for Cystic fibrosis. Last evaluated: 2024-10-16. Review status: criteria provided, single submitter. Criteria: Invitae Variant Classification Sherloc (09022015). Collection method: clinical testing. Allele origin: germline.
Comment: This sequence change replaces tyrosine, which is neutral and polar, with cysteine, which is neutral and slightly polar, at codon 849 of the CFTR protein (p.Tyr849Cys). This variant is present in population databases (rs780811333, gnomAD 0.003%). This variant has not been reported in the literature in individuals affected with CFTR-related conditions. ClinVar contains an entry for this variant (Variation ID: 1009463). Invitae Evidence Modeling of protein sequence and biophysical properties (such as structural, functional, and spatial information, amino acid conservation, physicochemical variation, residue mobility, and thermodynamic stability) indicates that this missense variant is not expected to disrupt CFTR protein function with a negative predictive value of 80%. In summary, the available evidence is currently insufficient to determine the role of this variant in disease. Therefore, it has been classified as a Variant of Uncertain Significance.

Natera, Inc.
Classification: Uncertain significance for CFTR-related disorders. Last evaluated: 2018-09-12. Review status: no assertion criteria provided. Collection method: clinical testing. Allele origin: germline. Not counted in ClinVar's aggregate classification.